The following is an entry in ClinVar:

NM_001330078.2(NRXN1):c.4444G>A (p.Val1482Ile)

Gene: NRXN1 (neurexin 1; minus strand). Cytogenetic location: 2p16.3.
Variant type: single nucleotide variant.
Coding change: c.4444G>A on transcript NM_001330078.2 (MANE Select); coding-DNA position 4444, G replaced by A.
Protein change: p.Val1482Ile; replaces valine 1482 with isoleucine.
Molecular consequence: missense variant.
Genome position (GRCh38, 1-based): chr2:49,922,024, C>T on the plus strand (G>A on the coding strand, the complement: NRXN1 is on the minus strand). VCF-style: chr2-49922024-C-T. GRCh37 (hg19) VCF-style: chr2-50149162-C-T.
Other names: c.4564G>A, p.Val1522Ile (NM_001135659.3); c.349G>A, p.Val117Ile (NM_001320156.4); c.340G>A, p.Val114Ile (NM_001320157.4); c.4420G>A, p.Val1474Ile (NM_001330077.2); c.4411G>A, p.Val1471Ile (NM_001330082.2); c.4279G>A, p.Val1427Ile (NM_001330083.2); c.4378G>A, p.Val1460Ile (NM_001330084.2); c.4417G>A, p.Val1473Ile (NM_001330085.2); and 12 more; short protein forms V1412I, V1481I, V114I, V1427I, V1460I, V1474I, V1479I, V1522I.
Identifiers: ClinVar variation 932129 (VCV000932129.3), dbSNP rs1668291297, ClinGen allele CA346818335.

ClinVar aggregate classification (germline): Uncertain significance (1 of 4 stars; one submission).

Conditions:
Pitt-Hopkins-like syndrome 2 (PTHSL2). Identifiers: Orphanet 221150, Orphanet 600663, MedGen C3280479, MONDO:0013690, OMIM 614325.

Submission:

Centre for Mendelian Genomics, University Medical Centre Ljubljana
Classification: Uncertain significance for Pitt-Hopkins-like syndrome 2. Last evaluated: 2019-05-06. Review status: criteria provided, single submitter. Criteria: ACMG Guidelines, 2015. Collection method: clinical testing. Allele origin: unknown. Affected: yes.
Comment: This variant was classified as: Uncertain significance. The available evidence on this variant's pathogenicity is insufficient or conflicting. The following ACMG criteria were applied in classifying this variant: PM2.